The following is an entry in ClinVar:

NM_025137.4(SPG11):c.4780C>G (p.Pro1594Ala)

Gene: SPG11 (SPG11 vesicle trafficking associated, spatacsin; minus strand). Cytogenetic location: 15q21.1.
Variant type: single nucleotide variant.
Coding change: c.4780C>G on transcript NM_025137.4 (MANE Select); coding-DNA position 4780, C replaced by G.
Protein change: p.Pro1594Ala; replaces proline 1594 with alanine.
Molecular consequence: missense variant.
Genome position (GRCh38, 1-based): chr15:44,589,378, G>C on the plus strand (C>G on the coding strand, the complement: SPG11 is on the minus strand). VCF-style: chr15-44589378-G-C. GRCh37 (hg19) VCF-style: chr15-44881576-G-C.
Other names: c.4780C>G, p.Pro1594Ala (NM_001160227.2); short protein forms P1594A.
Identifiers: ClinVar variation 1503653 (VCV001503653.6), dbSNP rs771186100, ClinGen allele CA7534581.

ClinVar aggregate classification (germline): Uncertain significance (1 of 4 stars; one submission).

Conditions:
Hereditary spastic paraplegia 11. Also called: SPASTIC PARAPLEGIA, AUTOSOMAL RECESSIVE, COMPLICATED, WITH THIN CORPUS CALLOSUM; SPASTIC PARAPLEGIA, AUTOSOMAL RECESSIVE, WITH MENTAL IMPAIRMENT AND THIN CORPUS CALLOSUM; Spastic paraplegia, mental retardation and thin corpus callosum; Nakamura Osame syndrome; Autosomal recessive hereditary spastic paraplegia, mental impairment, and thin corpus callosum; Spastic Paraplegia 11. Identifiers: Orphanet 2822, MedGen C1858479, MONDO:0011445, OMIM 604360.

Allele frequency attached by ClinVar (database versions not stated): gnomAD exomes below 0.00001; ExAC 0.00001.
gnomAD v4.1: 1 of 1,614,112 alleles (0.000062%); highest among the groups gnomAD compares: Non-Finnish European, 0.000085%; no homozygotes.

Submission:

Labcorp Genetics (formerly Invitae), Labcorp
Classification: Uncertain significance for Hereditary spastic paraplegia 11. Last evaluated: 2021-08-22. Review status: criteria provided, single submitter. Criteria: Invitae Variant Classification Sherloc (09022015). Collection method: clinical testing. Allele origin: germline.
Comment: This sequence change replaces proline with alanine at codon 1594 of the SPG11 protein (p.Pro1594Ala). The proline residue is highly conserved and there is a small physicochemical difference between proline and alanine. Algorithms developed to predict the effect of missense changes on protein structure and function (SIFT, PolyPhen-2, Align-GVGD) all suggest that this variant is likely to be disruptive. This variant has not been reported in the literature in individuals affected with SPG11-related conditions. This variant is present in population databases (rs771186100, ExAC 0.001%). In summary, the available evidence is currently insufficient to determine the role of this variant in disease. Therefore, it has been classified as a Variant of Uncertain Significance.